The following is an entry in ClinVar:

ClinVar aggregate classification (germline): Conflicting classifications of pathogenicity. Review status: criteria provided, conflicting classifications (1 of 4 stars). 8 submissions from 7 submitters: Uncertain significance (2); Benign (2); Likely benign (2). 2 of the submissions do not count toward it. Last evaluated 2026-03-01.

Conditions:
Retinitis pigmentosa (RP). Identifiers: Orphanet 791, MedGen C0035334, MeSH D012174, MONDO:0019200, OMIM 268000. Inheritance: Autosomal dominant, autosomal recessive and X linked inheritance.
Cone-rod dystrophy 16 (CORD16). Identifiers: MedGen C3281045, MONDO:0013786, OMIM 614500.

Allele frequency attached by ClinVar (database versions not stated): gnomAD exomes 0.00027 and 0.00051; ExAC 0.00058; gnomAD 0.00163 and 0.00168; ESP Exome Variant Server 0.00185; TOPMed 0.00204; 1000 Genomes Project 0.00280; 1000 Genomes Project 30x 0.00281.
gnomAD v4.1: 674 of 1,614,174 alleles (0.042%); highest among the groups gnomAD compares: African/African-American, 0.68%; 2 homozygotes.

Submissions (8):

CeGaT Center for Human Genetics Tuebingen
Classification: Likely benign. Last evaluated: 2026-03-01. Review status: criteria provided, single submitter. Criteria: CeGaT Center For Human Genetics Tuebingen Variant Classification Criteria Version 2. Collection method: clinical testing. Allele origin: germline. Affected: yes. Observed: 1 variant allele.
Comment: CFAP418: BP4, BP7

Labcorp Genetics (formerly Invitae), Labcorp
Classification: Benign. Last evaluated: 2026-02-01. Review status: criteria provided, single submitter. Criteria: Invitae Variant Classification Sherloc (09022015). Collection method: clinical testing. Allele origin: germline.

Blueprint Genetics
Classification: Likely benign. Last evaluated: 2024-10-07. Review status: criteria provided, single submitter. Criteria: ACMG Guidelines, 2015. Collection method: clinical testing. Allele origin: germline.

Illumina Laboratory Services, Illumina
Classification: Uncertain significance for Retinitis pigmentosa. Last evaluated: 2018-01-12. Review status: criteria provided, single submitter. Criteria: ICSL Variant Classification Criteria 13 December 2019. Collection method: clinical testing. Allele origin: germline.

Illumina Laboratory Services, Illumina
Classification: Uncertain significance for Cone-rod dystrophy 16. Last evaluated: 2018-01-12. Review status: criteria provided, single submitter. Criteria: ICSL Variant Classification Criteria 13 December 2019. Collection method: clinical testing. Allele origin: germline.

Eurofins Ntd Llc (ga)
Classification: Benign. Last evaluated: 2016-09-01. Review status: criteria provided, single submitter. Criteria: EGL Classification Definitions 2015. Collection method: clinical testing. Allele origin: germline. Observed: 1 variant allele, 1 heterozygote.

Clinical Genetics DNA and cytogenetics Diagnostics Lab, Erasmus MC, Erasmus Medical Center
Classification: Likely benign. Review status: no assertion criteria provided. Collection method: clinical testing. Allele origin: germline. Affected: yes. Study: VKGL Data-share Consensus. Not counted in ClinVar's aggregate classification.

Clinical Genetics, Academic Medical Center
Classification: Benign. Review status: no assertion criteria provided. Collection method: clinical testing. Allele origin: germline. Affected: yes. Study: VKGL Data-share Consensus. Not counted in ClinVar's aggregate classification.

NM_177965.4(CFAP418):c.126G>C (p.Arg42=)

Genes: CFAP418 (cilia and flagella associated protein 418; minus strand), CFAP418-AS1 (CFAP418 antisense RNA 1; plus strand), LOC130000784 (ATAC-STARR-seq lymphoblastoid active region 27655; plus strand). Cytogenetic location: 8q22.1.
Variant type: single nucleotide variant.
Coding change: c.126G>C on transcript NM_177965.4 (MANE Select); coding-DNA position 126, G replaced by C.
Protein change: p.Arg42=; no amino-acid change (arginine 42 retained).
Molecular consequence: synonymous variant.
Genome position (GRCh38, 1-based): chr8:95,269,064, C>G on the plus strand (G>C on the coding strand, the complement: CFAP418 is on the minus strand). VCF-style: chr8-95269064-C-G. GRCh37 (hg19) VCF-style: chr8-96281292-C-G.
Other names: c.126G>C, p.Arg42= (NM_001363260.1).
Identifiers: ClinVar variation 290835 (VCV000290835.27), dbSNP rs115853053, ClinGen allele CA4815269.
Genomic context (GRCh38, chr8:95,269,064, plus strand): 5'-CAGAACAGTCCACCCCTCCCGCCCGGTTAACCTGAGCGTCTCTTTCGCCTTGGCTTGGTT[C>G]CGGTCGCTACTGTGGGTGCCGCCGCCGCAGCCTTTGGGCTGCTCGACCATACCCCGTCTT-3'
Protein context (NP_808880.1, residues 32-52): GCGGGTHSSD[Arg42=]NQAKAKETLR